The following is an entry in ClinVar:

NM_003900.5(SQSTM1):c.-6C>T

Gene: SQSTM1 (sequestosome 1; plus strand). Cytogenetic location: 5q35.3.
Variant type: single nucleotide variant.
Coding change: c.-6C>T on transcript NM_003900.5 (MANE Select); 6 bases upstream of the start codon, C replaced by T.
Molecular consequence: 5 prime UTR variant. On other transcripts: intron variant (2).
Genome position (GRCh38, 1-based): chr5:179,820,931, C>T. VCF-style: chr5-179820931-C-T. GRCh37 (hg19) VCF-style: chr5-179247931-C-T.
Other names: c.-47-2027C>T (NM_001142298.2, NM_001142299.2).
Identifiers: ClinVar variation 3357091 (VCV003357091.1).

ClinVar aggregate classification (germline): Likely benign (0 of 4 stars; one submission).

Conditions:
SQSTM1-related disorder. Also called: SQSTM1-Related Disorders.

gnomAD v4.1: 31 of 1,533,178 alleles (0.002%); highest among the groups gnomAD compares: Middle Eastern, 0.035%; no homozygotes.

Submission:

PreventionGenetics, part of Exact Sciences
Classification: Likely benign for SQSTM1-related condition. Last evaluated: 2023-12-14. Review status: no assertion criteria provided. Collection method: clinical testing. Allele origin: germline.
Comment: This variant is classified as likely benign based on ACMG/AMP sequence variant interpretation guidelines (Richards et al. 2015 PMID: 25741868, with internal and published modifications).